The following is an entry in ClinVar:

NM_001048174.2(MUTYH):c.1432A>G (p.Met478Val)

Gene: MUTYH (mutY DNA glycosylase; minus strand). Cytogenetic location: 1p34.1.
Variant type: single nucleotide variant.
Coding change: c.1432A>G on transcript NM_001048174.2 (MANE Select); coding-DNA position 1432, A replaced by G.
Protein change: p.Met478Val; replaces methionine 478 with valine.
Molecular consequence: missense variant. On other transcripts: non-coding transcript variant (2).
Genome position (GRCh38, 1-based): chr1:45,330,518, T>C on the plus strand (A>G on the coding strand, the complement: MUTYH is on the minus strand). VCF-style: chr1-45330518-T-C. GRCh37 (hg19) VCF-style: chr1-45796190-T-C.
Other names: c.1432A>G, p.Met478Val (NM_001048173.2, NM_001048171.2, NM_001293195.2); c.1516A>G, p.Met506Val (NM_001128425.2); c.1435A>G, p.Met479Val (NM_001048172.2); c.1477A>G, p.Met493Val (NM_001293190.2); c.1465A>G, p.Met489Val (NM_001293191.2); c.1156A>G, p.Met386Val (NM_001293192.2, NM_001293196.2); c.1087A>G, p.Met363Val (NM_001350650.2, NM_001350651.2); c.1507A>G, p.Met503Val (NM_012222.3); short protein forms M363V, M479V, M386V, M478V, M503V, M489V, M493V, M506V.
Identifiers: ClinVar variation 801227 (VCV000801227.3), dbSNP rs1570344605, ClinGen allele CA340132302.

ClinVar aggregate classification (germline): Uncertain significance. Review status: criteria provided, multiple submitters, no conflicts (2 of 4 stars). 2 submissions from 2 submitters: Uncertain significance (2). Last evaluated 2025-08-27.

Conditions:
Hereditary cancer-predisposing syndrome. Also called: Tumor predisposition; Neoplastic Syndromes, Hereditary; Hereditary Cancer Syndrome; Hereditary neoplastic syndrome. Identifiers: Orphanet 140162, MedGen C0027672, MeSH D009386, MONDO:0015356.

Submissions (2):

Ambry Genetics
Classification: Uncertain significance for Hereditary cancer-predisposing syndrome. Last evaluated: 2025-08-27. Review status: criteria provided, single submitter. Criteria: Ambry Variant Classification Scheme 2023. Collection method: clinical testing. Allele origin: germline.
Comment: The p.M506V variant (also known as c.1516A>G), located in coding exon 15 of the MUTYH gene, results from an A to G substitution at nucleotide position 1516. The methionine at codon 506 is replaced by valine, an amino acid with highly similar properties. This amino acid position is conserved. In addition, this alteration is predicted to be tolerated by in silico analysis. Based on the available evidence, the clinical significance of this variant remains unclear.

Quest Diagnostics Nichols Institute San Juan Capistrano
Classification: Uncertain significance. Last evaluated: 2019-04-26. Review status: criteria provided, single submitter. Criteria: Quest Diagnostics criteria. Collection method: clinical testing. Allele origin: germline.